The following is an entry in ClinVar:

NM_020458.4(TTC7A):c.397G>A (p.Val133Met)

Gene: TTC7A (tetratricopeptide repeat domain 7A; plus strand). Cytogenetic location: 2p21.
Variant type: single nucleotide variant.
Coding change: c.397G>A on transcript NM_020458.4 (MANE Select); coding-DNA position 397, G replaced by A.
Protein change: p.Val133Met; replaces valine 133 with methionine.
Molecular consequence: missense variant. On other transcripts: 5 prime UTR variant (1).
Genome position (GRCh38, 1-based): chr2:46,956,887, G>A. VCF-style: chr2-46956887-G-A. GRCh37 (hg19) VCF-style: chr2-47184026-G-A.
Other names: c.397G>A, p.Val133Met (NM_001288951.2); c.295G>A, p.Val99Met (NM_001288953.2); c.-508G>A (NM_001288955.2); c.397G>A (NM_020458.2); short protein forms V99M, V133M.
Identifiers: ClinVar variation 843077 (VCV000843077.9), dbSNP rs749546800, ClinGen allele CA1647143.

ClinVar aggregate classification (germline): Uncertain significance. Review status: criteria provided, multiple submitters, no conflicts (2 of 4 stars). 2 submissions from 2 submitters: Uncertain significance (2). Last evaluated 2022-03-29.

Conditions:
Multiple gastrointestinal atresias. Also called: Multiple intestinal atresia; FAMILIAL INTESTINAL POLYATRESIA SYNDROME. Identifiers: Orphanet 2300, MedGen C0220744, MONDO:0009465.
Inborn genetic diseases. Identifiers: MedGen C0950123, MeSH D030342.

Allele frequency attached by ClinVar (database versions not stated): gnomAD 0.00001; TOPMed 0.00003.
gnomAD v4.1: 26 of 1,614,080 alleles (0.0016%); highest among the groups gnomAD compares: Middle Eastern, 0.016%; no homozygotes.

Submissions (2):

Labcorp Genetics (formerly Invitae), Labcorp
Classification: Uncertain significance for Multiple gastrointestinal atresias. Last evaluated: 2022-03-29. Review status: criteria provided, single submitter. Criteria: Invitae Variant Classification Sherloc (09022015). Collection method: clinical testing. Allele origin: germline.
Comment: Algorithms developed to predict the effect of missense changes on protein structure and function output the following: SIFT: "Tolerated"; PolyPhen-2: "Benign"; Align-GVGD: "Class C0". The methionine amino acid residue is found in multiple mammalian species, which suggests that this missense change does not adversely affect protein function. In summary, the available evidence is currently insufficient to determine the role of this variant in disease. Therefore, it has been classified as a Variant of Uncertain Significance. ClinVar contains an entry for this variant (Variation ID: 843077). This variant has not been reported in the literature in individuals affected with TTC7A-related conditions. This variant is present in population databases (rs749546800, gnomAD 0.003%). This sequence change replaces valine, which is neutral and non-polar, with methionine, which is neutral and non-polar, at codon 133 of the TTC7A protein (p.Val133Met).

Ambry Genetics
Classification: Uncertain significance for Inborn genetic diseases. Last evaluated: 2022-02-10. Review status: criteria provided, single submitter. Criteria: Ambry Variant Classification Scheme 2023. Collection method: clinical testing. Allele origin: germline.